The following is an entry in ClinVar:

NM_007294.4(BRCA1):c.2834G>A (p.Ser945Asn)

Gene: BRCA1 (BRCA1 DNA repair associated; minus strand). Cytogenetic location: 17q21.31.
Variant type: single nucleotide variant.
Coding change: c.2834G>A on transcript NM_007294.4 (MANE Select); coding-DNA position 2834, G replaced by A.
Protein change: p.Ser945Asn; replaces serine 945 with asparagine.
Molecular consequence: missense variant. On other transcripts: intron variant (137).
Genome position (GRCh38, 1-based): chr17:43,092,697, C>T on the plus strand (G>A on the coding strand, the complement: BRCA1 is on the minus strand). VCF-style: chr17-43092697-C-T. GRCh37 (hg19) VCF-style: chr17-41244714-C-T.
Other names: c.2834G>A, p.Ser945Asn (NM_001407620.1, NM_001407621.1, NM_001407622.1 and 30 more transcripts); c.788-1665G>A (NM_001407970.1, NM_001407980.1, NM_001407993.1 and 17 more transcripts); c.2831G>A, p.Ser944Asn (NM_001407627.1, NM_001407628.1, NM_001407632.1 and 22 more transcripts); c.2621G>A, p.Ser874Asn (NM_001407571.1, NM_001407853.1, NM_001407894.1 and 9 more transcripts); c.2825G>A, p.Ser942Asn (NM_001407646.1, NM_001407647.1); c.2711G>A, p.Ser904Asn (NM_001407648.1, NM_001407664.1, NM_001407665.1 and 19 more transcripts); c.2708G>A, p.Ser903Asn (NM_001407649.1, NM_001407670.1, NM_001407671.1 and 11 more transcripts); c.2756G>A, p.Ser919Asn (NM_001407653.1, NM_001407654.1, NM_001407655.1 and 4 more transcripts); and 41 more; short protein forms S833N, S856N, S874N, S875N, S897N, S904N, S649N, S818N.
Identifiers: ClinVar variation 3634661 (VCV003634661.2).

ClinVar aggregate classification (germline): Uncertain significance (1 of 4 stars; one submission).

Conditions:
Hereditary breast ovarian cancer syndrome. Also called: Hereditary breast and ovarian cancer syndrome; Hereditary breast and ovarian cancer syndrome (HBOC); BRCA1- and BRCA2-Associated Hereditary Breast and Ovarian Cancer; Hereditary breast and ovarian cancer; Breast and ovarian cancer; Hereditary breast and/or ovarian cancer syndrome. Identifiers: Orphanet 145, MedGen C0677776, MeSH D061325, MONDO:0003582. Disease mechanism: loss of function.

Submission:

Labcorp Genetics (formerly Invitae), Labcorp
Classification: Uncertain significance for Hereditary breast ovarian cancer syndrome. Last evaluated: 2024-09-15. Review status: criteria provided, single submitter. Criteria: Invitae Variant Classification Sherloc (09022015). Collection method: clinical testing. Allele origin: germline.
Comment: This sequence change replaces serine, which is neutral and polar, with asparagine, which is neutral and polar, at codon 945 of the BRCA1 protein (p.Ser945Asn). This variant is not present in population databases (gnomAD no frequency). This variant has not been reported in the literature in individuals affected with BRCA1-related conditions. Invitae Evidence Modeling of protein sequence and biophysical properties (such as structural, functional, and spatial information, amino acid conservation, physicochemical variation, residue mobility, and thermodynamic stability) indicates that this missense variant is not expected to disrupt BRCA1 protein function with a negative predictive value of 95%. In summary, the available evidence is currently insufficient to determine the role of this variant in disease. Therefore, it has been classified as a Variant of Uncertain Significance.